The following is an entry in ClinVar:

NM_144670.6(A2ML1):c.4121G>A (p.Gly1374Glu)

Gene: A2ML1 (alpha-2-macroglobulin like 1; plus strand). Cytogenetic location: 12p13.31.
Variant type: single nucleotide variant.
Coding change: c.4121G>A on transcript NM_144670.6 (MANE Select); coding-DNA position 4121, G replaced by A.
Protein change: p.Gly1374Glu; replaces glycine 1374 with glutamic acid.
Molecular consequence: missense variant.
Genome position (GRCh38, 1-based): chr12:8,868,596, G>A. VCF-style: chr12-8868596-G-A. GRCh37 (hg19) VCF-style: chr12-9021192-G-A.
Other names: c.2648G>A, p.Gly883Glu (NM_001282424.3); short protein forms G1374E, G883E.
Identifiers: ClinVar variation 391810 (VCV000391810.2), dbSNP rs1057524238, ClinGen allele CA16606614.

ClinVar aggregate classification (germline): Uncertain significance (1 of 4 stars; one submission).

Allele frequency attached by ClinVar (database versions not stated): TOPMed 0.00001.

Submission:

GeneDx
Classification: Uncertain significance. Last evaluated: 2016-12-09. Review status: criteria provided, single submitter. Criteria: GeneDx Variant Classification (06012015). Collection method: clinical testing. Allele origin: germline. Affected: yes.
Comment: The G1374E variant in the A2ML gene has not been reported previously as a pathogenic variant, nor as a benign variant, to our knowledge. The G1374E variant was not observed in approximately 6100 individuals of European and African American ancestry in the NHLBI Exome Sequencing Project, indicating it is not a common benign variant in these populations. The G1374E variant is a non-conservative amino acid substitution, which is likely to impact secondary protein structure as these residues differ in polarity, charge, size and/or other properties. This substitution occurs at a position that is conserved across species. In silico analysis predicts this variant is probably damaging to the protein structure/function. We interpret G1374E as a variant of uncertain significance.